The following is an entry in ClinVar:

ClinVar aggregate classification (germline): Uncertain significance (1 of 4 stars; one submission).

Conditions:
Hereditary cancer-predisposing syndrome. Also called: Hereditary Cancer Syndrome; Neoplastic Syndromes, Hereditary; Tumor predisposition; Hereditary neoplastic syndrome. Identifiers: Orphanet 140162, MedGen C0027672, MeSH D009386, MONDO:0015356.

Submission:

Ambry Genetics
Classification: Uncertain significance for Hereditary cancer-predisposing syndrome. Last evaluated: 2026-08-07. Review status: criteria provided, single submitter. Criteria: Ambry Variant Classification Scheme 2023. Collection method: clinical testing. Allele origin: germline.
Comment: The c.4755delC variant, located in coding exon 29 of the ALK gene, results from a deletion of one nucleotide at nucleotide position 4755, causing a translational frameshift with a predicted alternate stop codon (p.Y1586Tfs*8). This variant occurs at the 3' terminus of the gene and is not expected to trigger nonsense-mediated mRNA decay. Based on the available evidence, the clinical significance of this variant remains unclear.

NM_004304.5(ALK):c.4755del (p.Tyr1586fs)

Gene: ALK (ALK receptor tyrosine kinase; minus strand). Cytogenetic location: 2p23.2.
Variant type: Deletion.
Coding change: c.4755del on transcript NM_004304.5 (MANE Select); coding-DNA position 4755, one base deleted (C; older notation c.4755delC).
Protein change: p.Tyr1586fs; shifts the reading frame from tyrosine 1586.
Molecular consequence: frameshift variant.
Genome position (GRCh38, 1-based): chr2:29,193,332, G deleted on the plus strand (C on the coding strand, the reverse complement: ALK is on the minus strand). VCF-style (leftmost placement, unchanged base first): chr2-29193331-AG-A. GRCh37 (hg19) VCF-style: chr2-29416197-AG-A.
Other names: c.1551del, p.Tyr518fs (NM_001353765.2); short protein forms Y518fs, Y1586fs.
Identifiers: ClinVar variation 5035426 (VCV005035426.1).